The following is an entry in ClinVar:

ClinVar aggregate classification (germline): Pathogenic (1 of 4 stars; one submission).

Conditions:
Neurofibromatosis, type 1 (NF1). Also called: Peripheral type neurofibromatosis; VON RECKLINGHAUSEN DISEASE; NEUROFIBROMATOSIS, TYPE I, SOMATIC; Neurofibromatosis, type I. Identifiers: Orphanet 636, MedGen C0027831, MONDO:0018975, OMIM 162200. Disease mechanism: loss of function.

Submission:

Labcorp Genetics (formerly Invitae), Labcorp
Classification: Pathogenic for Neurofibromatosis, type 1. Last evaluated: 2022-09-17. Review status: criteria provided, single submitter. Criteria: Invitae Variant Classification Sherloc (09022015). Collection method: clinical testing. Allele origin: germline.
Comment: For these reasons, this variant has been classified as Pathogenic. This variant has not been reported in the literature in individuals affected with NF1-related conditions. This variant is a gross deletion of the genomic region encompassing exon(s) 40-50 of the NF1 gene. This deletion is out-of-frame, and is expected to create a premature termination codon and result in an absent or disrupted protein product. Loss-of-function variants in NF1 are known to be pathogenic (PMID: 10712197, 23913538).

Literature cited by the submitters: PubMed 10712197; PubMed 23913538.

NC_000017.10:g.(?_29663341)_(29679442_?)del

Gene: NF1 (neurofibromin 1; plus strand). Cytogenetic location: 17q11.2.
Variant type: Deletion.
Identifiers: ClinVar variation 2422728 (VCV002422728.4).